The following is an entry in ClinVar:

NM_019066.5(MAGEL2):c.2870G>T (p.Gly957Val)

Gene: MAGEL2 (MAGE family member L2; minus strand). Cytogenetic location: 15q11.2.
Variant type: single nucleotide variant.
Coding change: c.2870G>T on transcript NM_019066.5 (MANE Select); coding-DNA position 2870, G replaced by T.
Protein change: p.Gly957Val; replaces glycine 957 with valine.
Molecular consequence: missense variant.
Genome position (GRCh38, 1-based): chr15:23,644,873, C>A on the plus strand (G>T on the coding strand, the complement: MAGEL2 is on the minus strand). VCF-style: chr15-23644873-C-A. GRCh37 (hg19) VCF-style: chr15-23890020-C-A.
Other names: short protein forms G957V.
Identifiers: ClinVar variation 2213610 (VCV002213610.7), dbSNP rs560259716, ClinGen allele CA7429797.

ClinVar aggregate classification (germline): Likely benign. Review status: criteria provided, multiple submitters, no conflicts (2 of 4 stars). 3 submissions from 3 submitters: Likely benign (3). Last evaluated 2025-11-24.

Conditions:
MAGEL2-related disorder. Also called: MAGEL2-related condition.
Inborn genetic diseases. Identifiers: MedGen C0950123, MeSH D030342.

Allele frequency attached by ClinVar (database versions not stated): TOPMed 0.00005; gnomAD exomes 0.00007; ExAC 0.00017.

Submissions (3):

Labcorp Genetics (formerly Invitae), Labcorp
Classification: Likely benign. Last evaluated: 2025-11-24. Review status: criteria provided, single submitter. Criteria: Invitae Variant Classification Sherloc (09022015). Collection method: clinical testing. Allele origin: germline.

PreventionGenetics, part of Exact Sciences
Classification: Likely benign for MAGEL2-related condition. Last evaluated: 2025-07-29. Review status: criteria provided, single submitter. Criteria: ACMG Guidelines, 2015. Collection method: clinical testing. Allele origin: germline.
Comment: This variant is classified as likely benign based on ACMG/AMP sequence variant interpretation guidelines (Richards et al. 2015 PMID: 25741868, with internal and published modifications).

Ambry Genetics
Classification: Likely benign for Inborn genetic diseases. Last evaluated: 2021-06-18. Review status: criteria provided, single submitter. Criteria: Ambry Variant Classification Scheme 2023. Collection method: clinical testing. Allele origin: germline.